The following is an entry in ClinVar:

ClinVar aggregate classification (germline): Uncertain significance (1 of 4 stars; one submission).

Submission:

Labcorp Genetics (formerly Invitae), Labcorp
Classification: Uncertain significance. Last evaluated: 2022-07-19. Review status: criteria provided, single submitter. Criteria: Invitae Variant Classification Sherloc (09022015). Collection method: clinical testing. Allele origin: germline.
Comment: This variant has not been reported in the literature in individuals affected with DSG1-related conditions. This variant is not present in population databases (gnomAD no frequency). This sequence change replaces glutamine, which is neutral and polar, with histidine, which is basic and polar, at codon 461 of the DSG1 protein (p.Gln461His). ClinVar contains an entry for this variant (Variation ID: 1469592). In summary, the available evidence is currently insufficient to determine the role of this variant in disease. Therefore, it has been classified as a Variant of Uncertain Significance. Algorithms developed to predict the effect of missense changes on protein structure and function (SIFT, PolyPhen-2, Align-GVGD) all suggest that this variant is likely to be tolerated.

NM_001942.4(DSG1):c.1383A>C (p.Gln461His)

Gene: DSG1 (desmoglein 1; plus strand). Cytogenetic location: 18q12.1.
Variant type: single nucleotide variant.
Coding change: c.1383A>C on transcript NM_001942.4 (MANE Select); coding-DNA position 1383, A replaced by C.
Protein change: p.Gln461His; replaces glutamine 461 with histidine.
Molecular consequence: missense variant.
Genome position (GRCh38, 1-based): chr18:31,338,432, A>C. VCF-style: chr18-31338432-A-C. GRCh37 (hg19) VCF-style: chr18-28918395-A-C.
Other names: short protein forms Q461H.
Identifiers: ClinVar variation 1469592 (VCV001469592.8), dbSNP rs2144100991, ClinGen allele CA402136465.